The following is an entry in ClinVar:

ClinVar aggregate classification (germline): Uncertain significance (0 of 4 stars; one submission).

Conditions:
PLCG2-related disorder. Also called: PLCG2-related condition.

gnomAD v4.1: 2 of 1,611,562 alleles (0.00012%); highest among the groups gnomAD compares: Non-Finnish European, 0.00017%; no homozygotes.

Submission:

PreventionGenetics, part of Exact Sciences
Classification: Uncertain significance for PLCG2-related condition. Last evaluated: 2024-05-07. Review status: no assertion criteria provided. Collection method: clinical testing. Allele origin: germline.
Comment: The PLCG2 c.344C>G variant is predicted to result in the amino acid substitution p.Ser115Cys. To our knowledge, this variant has not been reported in the literature or in a large population database, indicating this variant is rare. At this time, the clinical significance of this variant is uncertain due to the absence of conclusive functional and genetic evidence.

NM_002661.5(PLCG2):c.344C>G (p.Ser115Cys)

Gene: PLCG2 (phospholipase C gamma 2; plus strand). Cytogenetic location: 16q23.3.
Variant type: single nucleotide variant.
Coding change: c.344C>G on transcript NM_002661.5 (MANE Select); coding-DNA position 344, C replaced by G.
Protein change: p.Ser115Cys; replaces serine 115 with cysteine.
Molecular consequence: missense variant.
Genome position (GRCh38, 1-based): chr16:81,858,269, C>G. VCF-style: chr16-81858269-C-G. GRCh37 (hg19) VCF-style: chr16-81891874-C-G.
Other names: c.344C>G, p.Ser115Cys (NM_001425749.1, NM_001425750.1, NM_001425751.1); short protein forms S115C.
Identifiers: ClinVar variation 3344509 (VCV003344509.1).